The following is an entry in ClinVar:

NM_178857.6(RP1L1):c.2348C>T (p.Ser783Phe)

Gene: RP1L1 (RP1 like 1). Cytogenetic location: 8p23.1.
Variant type: single nucleotide variant.
Coding change: c.2348C>T on transcript NM_178857.6 (MANE Select); coding-DNA position 2348, C replaced by T.
Protein change: p.Ser783Phe; replaces serine 783 with phenylalanine.
Molecular consequence: missense variant.
Genome position (GRCh38, 1-based): chr8:10,611,750, G>A on the plus strand (C>T on the coding strand, the complement: RP1L1 is on the minus strand). VCF-style: chr8-10611750-G-A. GRCh37 (hg19) VCF-style: chr8-10469260-G-A.
Other names: short protein forms S783F.
Identifiers: ClinVar variation 3350803 (VCV003350803.2).

ClinVar aggregate classification (germline): Uncertain significance. Review status: criteria provided, single submitter (1 of 4 stars). 2 submissions from 2 submitters: Uncertain significance (1). 1 of the submissions does not count toward it. Last evaluated 2024-12-04.

Conditions:
RP1L1-related disorder. Also called: RP1L1-related condition.
Inborn genetic diseases. Identifiers: MedGen C0950123, MeSH D030342.

Submissions (2):

Ambry Genetics
Classification: Uncertain significance for Inborn genetic diseases. Last evaluated: 2024-12-04. Review status: criteria provided, single submitter. Criteria: Ambry Variant Classification Scheme 2023. Collection method: clinical testing. Allele origin: germline.

PreventionGenetics, part of Exact Sciences
Classification: Uncertain significance for RP1L1-related condition. Last evaluated: 2024-09-15. Review status: no assertion criteria provided. Collection method: clinical testing. Allele origin: germline. Not counted in ClinVar's aggregate classification.
Comment: The RP1L1 c.2348C>T variant is predicted to result in the amino acid substitution p.Ser783Phe. To our knowledge, this variant has not been reported in the literature. This variant is reported in 0.041% of alleles in individuals of Latino descent in gnomAD. At this time, the clinical significance of this variant is uncertain due to the absence of conclusive functional and genetic evidence.